The following is an entry in ClinVar:

NM_025193.4(HSD3B7):c.454G>A (p.Glu152Lys)

Gene: HSD3B7 (hydroxy-delta-5-steroid dehydrogenase, 3 beta- and steroid delta-isomerase 7; plus strand). Cytogenetic location: 16p11.2.
Variant type: single nucleotide variant.
Coding change: c.454G>A on transcript NM_025193.4 (MANE Select); coding-DNA position 454, G replaced by A.
Protein change: p.Glu152Lys; replaces glutamic acid 152 with lysine.
Molecular consequence: missense variant.
Genome position (GRCh38, 1-based): chr16:30,986,627, G>A. VCF-style: chr16-30986627-G-A. GRCh37 (hg19) VCF-style: chr16-30997948-G-A.
Other names: c.454G>A, p.Glu152Lys (NM_001142777.2, NM_001142778.2); c.454G>A (NM_025193.3); short protein forms E152K.
Identifiers: ClinVar variation 499253 (VCV000499253.9), dbSNP rs774018498, ClinGen allele CA8018001.

ClinVar aggregate classification (germline): Uncertain significance. Review status: criteria provided, multiple submitters, no conflicts (2 of 4 stars). 3 submissions from 3 submitters: Uncertain significance (3). Last evaluated 2026-02-24.

Conditions:
HSD3B7-related disorder. Also called: HSD3B7-related condition.
Inborn genetic diseases. Identifiers: MedGen C0950123, MeSH D030342.

Allele frequency attached by ClinVar (database versions not stated): gnomAD exomes 0.00001 and 0.00002; ExAC 0.00002; gnomAD 0.00003; TOPMed 0.00003.
gnomAD v4.1: 24 of 1,614,070 alleles (0.0015%); highest among the groups gnomAD compares: African/African-American, 0.0013%; no homozygotes.

Submissions (3):

PreventionGenetics, part of Exact Sciences
Classification: Uncertain significance for HSD3B7-related condition. Last evaluated: 2026-02-24. Review status: criteria provided, single submitter. Criteria: ACMG Guidelines, 2015. Collection method: clinical testing. Allele origin: germline.
Comment: The HSD3B7 c.454G>A variant is predicted to result in the amino acid substitution p.Glu152Lys. To our knowledge, this variant has not been reported in the literature. This variant is reported in 0.0035% of alleles in individuals of European (Non-Finnish) descent in gnomAD. At this time, the clinical significance of this variant is uncertain due to the absence of conclusive functional and genetic evidence.

Ambry Genetics
Classification: Uncertain significance for Inborn genetic diseases. Last evaluated: 2025-04-30. Review status: criteria provided, single submitter. Criteria: Ambry Variant Classification Scheme 2023. Collection method: clinical testing. Allele origin: germline.

Eurofins Ntd Llc (ga)
Classification: Uncertain significance. Last evaluated: 2016-12-14. Review status: criteria provided, single submitter. Criteria: EGL Classification Definitions 2015. Collection method: clinical testing. Allele origin: germline. Observed: 1 variant allele, 1 heterozygote.